The following is an entry in ClinVar:

NM_001352514.2(HLCS):c.1639del (p.Met547fs)

Gene: HLCS (holocarboxylase synthetase; minus strand). Cytogenetic location: 21q22.13.
Variant type: Deletion.
Coding change: c.1639del on transcript NM_001352514.2 (MANE Select); coding-DNA position 1639, one base deleted (A; older notation c.1639delA).
Protein change: p.Met547fs; shifts the reading frame from methionine 547.
Molecular consequence: frameshift variant. On other transcripts: non-coding transcript variant (2).
Genome position (GRCh38, 1-based): chr21:36,897,113, T deleted on the plus strand (A on the coding strand, the reverse complement: HLCS is on the minus strand). VCF-style (leftmost placement, unchanged base first): chr21-36897112-AT-A. GRCh37 (hg19) VCF-style: chr21-38269412-AT-A.
Other names: c.1198delA (NM_000411.8); c.1198del, p.Met400fs (NM_000411.8, NM_001242784.3, NM_001242785.2 and 4 more transcripts); short protein forms M400fs, M547fs.
Identifiers: ClinVar variation 4526185 (VCV004526185.1).
Genomic context (GRCh38, chr21:36,897,112, plus strand): 5'-AGAGAGAGCTGGCCGGATTTTATTTCTCCCTCGGAGTCCACATGTTTCCCAAGCCACTGC[AT>A]AAGAGGATCCCTGATTTCCTGTGTCATAAAGAAAGAAATGAGATGGTCGTAATTTGGCAT-3'

ClinVar aggregate classification (germline): Pathogenic (1 of 4 stars; one submission).

Conditions:
Holocarboxylase synthetase deficiency. Also called: MULTIPLE CARBOXYLASE DEFICIENCY, EARLY ONSET. Identifiers: Orphanet 79242, MedGen C0268581, MONDO:0009666, OMIM 253270.

Submission:

Women's Health and Genetics/Laboratory Corporation of America, LabCorp
Classification: Pathogenic for Holocarboxylase synthetase deficiency. Last evaluated: 2025-07-28. Review status: criteria provided, single submitter. Criteria: LabCorp Variant Classification Summary - May 2015. Collection method: clinical testing. Allele origin: germline.
Comment: Variant summary: HLCS c.1198delA (p.Met400CysfsX14) results in a premature termination codon, predicted to cause a truncation of the encoded protein or absence of the protein due to nonsense mediated decay, which are commonly known mechanisms for disease. The variant was absent in 250742 control chromosomes. To our knowledge, no occurrence of c.1198delA in individuals affected with Holocarboxylase Synthetase Deficiency and no experimental evidence demonstrating its impact on protein function have been reported. No submitters have cited clinical-significance assessments for this variant to ClinVar. Based on the evidence outlined above, the variant was classified as pathogenic.